The following is an entry in ClinVar:

NM_032634.4(PIGO):c.530T>C (p.Met177Thr)

Gene: PIGO (phosphatidylinositol glycan anchor biosynthesis class O; minus strand). Cytogenetic location: 9p13.3.
Variant type: single nucleotide variant.
Coding change: c.530T>C on transcript NM_032634.4 (MANE Select); coding-DNA position 530, T replaced by C.
Protein change: p.Met177Thr; replaces methionine 177 with threonine.
Molecular consequence: missense variant.
Genome position (GRCh38, 1-based): chr9:35,094,341, A>G on the plus strand (T>C on the coding strand, the complement: PIGO is on the minus strand). VCF-style: chr9-35094341-A-G. GRCh37 (hg19) VCF-style: chr9-35094338-A-G.
Other names: c.530T>C (NM_032634.3); c.530T>C, p.Met177Thr (NM_001201484.2, NM_152850.4); short protein forms M177T.
Identifiers: ClinVar variation 1350292 (VCV001350292.6), dbSNP rs1829572371, ClinGen allele CA373324087.

ClinVar aggregate classification (germline): Uncertain significance. Review status: criteria provided, multiple submitters, no conflicts (2 of 4 stars). 2 submissions from 2 submitters: Uncertain significance (2). Last evaluated 2025-02-13.

Conditions:
Hyperphosphatasia with impaired intellectual development syndrome 2. Also called: Hyperphosphatasia with intellectual disability syndrome 2; GLYCOSYLPHOSPHATIDYLINOSITOL BIOSYNTHESIS DEFECT 6. Identifiers: Orphanet 247262, MedGen C3553637, MONDO:0013882, OMIM 614749.

Allele frequency attached by ClinVar (database versions not stated): gnomAD exomes below 0.00001; TOPMed below 0.00001.

Submissions (2):

GeneDx
Classification: Uncertain significance. Last evaluated: 2025-02-13. Review status: criteria provided, single submitter. Criteria: GeneDx Variant Classification Process June 2021. Collection method: clinical testing. Allele origin: germline. Affected: yes.
Comment: Not observed at significant frequency in large population cohorts (gnomAD); In silico analysis supports that this missense variant has a deleterious effect on protein structure/function; Has not been previously published as pathogenic or benign to our knowledge

Labcorp Genetics (formerly Invitae), Labcorp
Classification: Uncertain significance for Hyperphosphatasia with impaired intellectual development syndrome 2. Last evaluated: 2024-02-17. Review status: criteria provided, single submitter. Criteria: Invitae Variant Classification Sherloc (09022015). Collection method: clinical testing. Allele origin: germline.
Comment: This sequence change replaces methionine, which is neutral and non-polar, with threonine, which is neutral and polar, at codon 177 of the PIGO protein (p.Met177Thr). This variant is not present in population databases (gnomAD no frequency). This variant has not been reported in the literature in individuals affected with PIGO-related conditions. ClinVar contains an entry for this variant (Variation ID: 1350292). Advanced modeling of protein sequence and biophysical properties (such as structural, functional, and spatial information, amino acid conservation, physicochemical variation, residue mobility, and thermodynamic stability) performed at Invitae indicates that this missense variant is expected to disrupt PIGO protein function with a positive predictive value of 80%. In summary, the available evidence is currently insufficient to determine the role of this variant in disease. Therefore, it has been classified as a Variant of Uncertain Significance.